The following is an entry in ClinVar:

ClinVar aggregate classification (germline): Pathogenic. Review status: criteria provided, multiple submitters, no conflicts (2 of 4 stars). 4 submissions from 4 submitters: Pathogenic (2). 2 of the submissions do not count toward it. Last evaluated 2023-09-19.

Conditions:
VPS13B-related disorder. Also called: VPS13B-related condition.
Cohen syndrome (COH1). Also called: Cutis verticis gyrata, retinitis pigmentosa, and sensorineural deafness; PEPPER SYNDROME. Identifiers: Orphanet 193, MedGen C0265223, MONDO:0008999, OMIM 216550.

Submissions (4):

Women's Health and Genetics/Laboratory Corporation of America, LabCorp
Classification: Pathogenic for Cohen syndrome. Last evaluated: 2023-09-19. Review status: criteria provided, single submitter. Criteria: LabCorp Variant Classification Summary - May 2015. Collection method: clinical testing. Allele origin: germline.
Comment: Variant summary: VPS13B c.5229delinsCC (p.Gln1744ProfsX25) results in a premature termination codon, predicted to cause absence of the protein due to nonsense mediated decay, which is a commonly known mechanism for disease. The variant was absent in 251306 control chromosomes. To our knowledge, no occurrence of c.5229delinsCC in individuals affected with Cohen Syndrome and no experimental evidence demonstrating its impact on protein function have been reported. Two submitters have cited clinical-significance assessments for this variant to ClinVar after 2014 (pathogenic, n=1; likely pathogenic, n=1). Based on the evidence outlined above, the variant was classified as pathogenic.

GeneDx
Classification: Pathogenic. Last evaluated: 2018-10-02. Review status: criteria provided, single submitter. Criteria: GeneDx Variant Classification (06012015). Collection method: clinical testing. Allele origin: germline. Affected: yes.
Comment: The c.5229delTinsCC variant has not been published as a pathogenic variant, nor has it been reported as a benign variant to our knowledge. The variant is not observed in large population cohorts (Lek et al., 2016). It causes a frameshift starting with codon Glutamine 1744, changes this amino acid to a Proline residue and creates a premature Stop codon at position 25 of the new reading frame, denoted p.Gln1744ProfsX25. This variant is predicted to cause loss of normal protein function either through protein truncation or nonsense-mediated mRNA decay. We consider this variant to be pathogenic.

PreventionGenetics, part of Exact Sciences
Classification: Likely pathogenic for VPS13B-related condition. Last evaluated: 2024-07-03. Review status: no assertion criteria provided. Collection method: clinical testing. Allele origin: germline. Not counted in ClinVar's aggregate classification.
Comment: The VPS13B c.5154delinsCC variant is predicted to result in a frameshift and premature protein termination (p.Gln1719Profs*25). To our knowledge, this variant has not been reported in the literature or in a large population database, indicating this variant is rare. Frameshift variants in VPS13B are expected to be pathogenic. This variant is interpreted as likely pathogenic.

Counsyl
Classification: Likely pathogenic for Cohen syndrome. Last evaluated: 2017-01-05. Review status: no assertion criteria provided. Collection method: clinical testing. Allele origin: unknown. Not counted in ClinVar's aggregate classification.

NM_152564.5(VPS13B):c.5154delinsCC (p.Gln1719fs)

Gene: VPS13B (vacuolar protein sorting 13 homolog B; plus strand). Cytogenetic location: 8q22.2.
Variant type: Indel.
Coding change: c.5154delinsCC on transcript NM_152564.5 (MANE Select); coding-DNA position 5154, T replaced by CC.
Protein change: p.Gln1719fs; shifts the reading frame from glutamine 1719.
Molecular consequence: frameshift variant.
Genome position (GRCh38, 1-based): chr8:99,577,567, T replaced by CC. VCF-style: chr8-99577567-T-CC. GRCh37 (hg19) VCF-style: chr8-100589795-T-CC.
Other names: c.5229delinsCC (NM_017890.4); c.5229delTinsCC (NM_017890.4); c.5229delinsCC, p.Gln1744fs (NM_017890.5); c.5154delinsCC (NM_152564.4); short protein forms Q1719fs, Q1744fs.
Identifiers: ClinVar variation 550106 (VCV000550106.5), dbSNP rs1554853667, ClinGen allele CA658822713.